The following is an entry in ClinVar:

NM_000322.5(PRPH2):c.1033G>C (p.Ala345Pro)

Gene: PRPH2 (peripherin 2; minus strand). Cytogenetic location: 6p21.1.
Variant type: single nucleotide variant.
Coding change: c.1033G>C on transcript NM_000322.5 (MANE Select); coding-DNA position 1033, G replaced by C.
Protein change: p.Ala345Pro; replaces alanine 345 with proline.
Molecular consequence: missense variant.
Genome position (GRCh38, 1-based): chr6:42,698,303, C>G on the plus strand (G>C on the coding strand, the complement: PRPH2 is on the minus strand). VCF-style: chr6-42698303-C-G. GRCh37 (hg19) VCF-style: chr6-42666041-C-G.
Other names: short protein forms A345P.
Identifiers: ClinVar variation 1014885 (VCV001014885.8), dbSNP rs1220298682, ClinGen allele CA364132479.

ClinVar aggregate classification (germline): Uncertain significance (1 of 4 stars; one submission).

Conditions:
PRPH2-related disorder. Also called: PRPH2-related disorders; PRPH2-related condition. Identifiers: MedGen CN239395.

Allele frequency attached by ClinVar (database versions not stated): TOPMed 0.00001.

Submission:

Labcorp Genetics (formerly Invitae), Labcorp
Classification: Uncertain significance for PRPH2-related disorder. Last evaluated: 2022-10-24. Review status: criteria provided, single submitter. Criteria: Invitae Variant Classification Sherloc (09022015). Collection method: clinical testing. Allele origin: germline.
Comment: This sequence change replaces alanine, which is neutral and non-polar, with proline, which is neutral and non-polar, at codon 345 of the PRPH2 protein (p.Ala345Pro). This variant is not present in population databases (gnomAD no frequency). This variant has not been reported in the literature in individuals affected with PRPH2-related conditions. ClinVar contains an entry for this variant (Variation ID: 1014885). Advanced modeling of protein sequence and biophysical properties (such as structural, functional, and spatial information, amino acid conservation, physicochemical variation, residue mobility, and thermodynamic stability) performed at Invitae indicates that this missense variant is not expected to disrupt PRPH2 protein function. In summary, the available evidence is currently insufficient to determine the role of this variant in disease. Therefore, it has been classified as a Variant of Uncertain Significance.